The following is an entry in ClinVar:

ClinVar aggregate classification (germline): Uncertain significance. Review status: criteria provided, multiple submitters, no conflicts (2 of 4 stars). 2 submissions from 2 submitters: Uncertain significance (2). Last evaluated 2022-03-09.

Conditions:
Inborn genetic diseases. Identifiers: MedGen C0950123, MeSH D030342.

Allele frequency attached by ClinVar (database versions not stated): ExAC 0.00003; gnomAD 0.00004 and 0.00005; gnomAD exomes 0.00004; ESP Exome Variant Server 0.00008; 1000 Genomes Project 30x 0.00016; 1000 Genomes Project 0.00020.
gnomAD v4.1: 60 of 1,529,746 alleles (0.0039%); highest among the groups gnomAD compares: Non-Finnish European, 0.0044%; no homozygotes.

Submissions (2):

Labcorp Genetics (formerly Invitae), Labcorp
Classification: Uncertain significance. Last evaluated: 2022-03-09. Review status: criteria provided, single submitter. Criteria: Invitae Variant Classification Sherloc (09022015). Collection method: clinical testing. Allele origin: germline.
Comment: This sequence change replaces arginine, which is basic and polar, with histidine, which is basic and polar, at codon 331 of the TUBGCP4 protein (p.Arg331His). The frequency data for this variant in the population databases is considered unreliable, as metrics indicate poor data quality at this position in the gnomAD database. In summary, the available evidence is currently insufficient to determine the role of this variant in disease. Therefore, it has been classified as a Variant of Uncertain Significance. Algorithms developed to predict the effect of missense changes on protein structure and function (SIFT, PolyPhen-2, Align-GVGD) all suggest that this variant is likely to be tolerated. ClinVar contains an entry for this variant (Variation ID: 849642). This variant has not been reported in the literature in individuals affected with TUBGCP4-related conditions.

Ambry Genetics
Classification: Uncertain significance for Inborn genetic diseases. Last evaluated: 2021-07-06. Review status: criteria provided, single submitter. Criteria: Ambry Variant Classification Scheme 2023. Collection method: clinical testing. Allele origin: germline.

NM_014444.5(TUBGCP4):c.992G>A (p.Arg331His)

Gene: TUBGCP4 (tubulin gamma complex component 4; plus strand). Cytogenetic location: 15q15.3.
Variant type: single nucleotide variant.
Coding change: c.992G>A on transcript NM_014444.5 (MANE Select); coding-DNA position 992, G replaced by A.
Protein change: p.Arg331His; replaces arginine 331 with histidine.
Molecular consequence: missense variant.
Genome position (GRCh38, 1-based): chr15:43,386,308, G>A. VCF-style: chr15-43386308-G-A. GRCh37 (hg19) VCF-style: chr15-43678506-G-A.
Other names: c.992G>A, p.Arg331His (NM_001286414.3); c.992G>A (NM_014444.2); short protein forms R331H.
Identifiers: ClinVar variation 849642 (VCV000849642.10), dbSNP rs200238154, ClinGen allele CA7523928.